The following is an entry in ClinVar:

ClinVar aggregate classification (germline): Uncertain significance (1 of 4 stars; one submission).

Conditions:
Perlman syndrome (PRLMNS). Identifiers: Orphanet 2849, MedGen C0796113, MONDO:0009965, OMIM 267000.

Allele frequency attached by ClinVar (database versions not stated): gnomAD exomes below 0.00001 and 0.00001; TOPMed below 0.00001; gnomAD 0.00001; ExAC 0.00002; 1000 Genomes Project 0.00020; 1000 Genomes Project 30x 0.00031.
gnomAD v4.1: 8 of 1,614,232 alleles (0.0005%); highest among the groups gnomAD compares: East Asian, 0.0067%; no homozygotes.

Submission:

Labcorp Genetics (formerly Invitae), Labcorp
Classification: Uncertain significance for Perlman syndrome. Last evaluated: 2025-11-03. Review status: criteria provided, single submitter. Criteria: Invitae Variant Classification Sherloc (09022015). Collection method: clinical testing. Allele origin: germline.
Comment: This sequence change replaces phenylalanine, which is neutral and non-polar, with leucine, which is neutral and non-polar, at codon 464 of the DIS3L2 protein (p.Phe464Leu). This variant is present in population databases (rs199879981, gnomAD 0.01%). This variant has not been reported in the literature in individuals affected with DIS3L2-related conditions. ClinVar contains an entry for this variant (Variation ID: 531909). Invitae Evidence Modeling of protein sequence and biophysical properties (such as structural, functional, and spatial information, amino acid conservation, physicochemical variation, residue mobility, and thermodynamic stability) indicates that this missense variant is not expected to disrupt DIS3L2 protein function with a negative predictive value of 80%. In summary, the available evidence is currently insufficient to determine the role of this variant in disease. Therefore, it has been classified as a Variant of Uncertain Significance.

NM_152383.5(DIS3L2):c.1390T>C (p.Phe464Leu)

Gene: DIS3L2 (DIS3 like 3'-5' exoribonuclease 2; plus strand). Cytogenetic location: 2q37.1.
Variant type: single nucleotide variant.
Coding change: c.1390T>C on transcript NM_152383.5 (MANE Select); coding-DNA position 1390, T replaced by C.
Protein change: p.Phe464Leu; replaces phenylalanine 464 with leucine.
Molecular consequence: missense variant. On other transcripts: non-coding transcript variant (2).
Genome position (GRCh38, 1-based): chr2:232,249,311, T>C. VCF-style: chr2-232249311-T-C. GRCh37 (hg19) VCF-style: chr2-233114021-T-C.
Other names: c.1390T>C, p.Phe464Leu (NM_001257281.2); short protein forms F464L.
Identifiers: ClinVar variation 531909 (VCV000531909.7), dbSNP rs199879981, ClinGen allele CA2164130.
Genomic context (GRCh38, chr2:232,249,311, plus strand): 5'-CTTCCCAGGCTGCTGTGTGAGGAGCTGTGCAGCCTCAACCCCATGTCCGACAAGCTGACC[T>C]TCTCTGTGATCTGGACACTGACTCCAGAGGGCAAGGTAACAACTTACACGTTTTCTTTCT-3'
Protein context (NP_689596.4, residues 454-474): SLNPMSDKLT[Phe464Leu]SVIWTLTPEG